The following is an entry in ClinVar:

ClinVar aggregate classification (germline): Benign/Likely benign. Review status: criteria provided, multiple submitters, no conflicts (2 of 4 stars). 3 submissions from 3 submitters: Benign (1); Likely benign (2). Last evaluated 2024-09-10.

Conditions:
Hereditary cancer-predisposing syndrome. Also called: Neoplastic Syndromes, Hereditary; Hereditary Cancer Syndrome; Hereditary neoplastic syndrome; Tumor predisposition. Identifiers: Orphanet 140162, MedGen C0027672, MeSH D009386, MONDO:0015356.
Familial cancer of breast. Also called: hereditary breast carcinoma; BREAST CANCER, FAMILIAL; Hereditary breast cancer. Identifiers: Orphanet 227535, MedGen C0346153, MONDO:0016419, OMIM 114480. Disease mechanism: loss of function.
Fanconi anemia complementation group J. Also called: BRIP1-Related Fanconi Anemia. Identifiers: Orphanet 84, MedGen C1836860, MONDO:0012187, OMIM 609054.

Submissions (3):

Myriad Genetics, Inc.
Classification: Benign for Familial cancer of breast. Last evaluated: 2024-09-10. Review status: criteria provided, single submitter. Criteria: Myriad Autosomal Dominant, Autosomal Recessive and X-Linked Classification Criteria (2023). Collection method: clinical testing. Allele origin: unknown.
Comment: This variant is considered benign. This variant is a silent/synonymous amino acid change and it is not expected to impact splicing.

Labcorp Genetics (formerly Invitae), Labcorp
Classification: Likely benign for Familial cancer of breast; Fanconi anemia complementation group J. Last evaluated: 2021-10-31. Review status: criteria provided, single submitter. Criteria: Invitae Variant Classification Sherloc (09022015). Collection method: clinical testing. Allele origin: germline.

Ambry Genetics
Classification: Likely benign for Hereditary cancer-predisposing syndrome. Last evaluated: 2020-09-21. Review status: criteria provided, single submitter. Criteria: Ambry Variant Classification Scheme 2023. Collection method: clinical testing. Allele origin: germline.

NM_032043.3(BRIP1):c.3225A>G (p.Ser1075=)

Gene: BRIP1 (BRCA1 interacting DNA helicase 1; minus strand). Cytogenetic location: 17q23.2.
Variant type: single nucleotide variant.
Coding change: c.3225A>G on transcript NM_032043.3 (MANE Select); coding-DNA position 3225, A replaced by G.
Protein change: p.Ser1075=; no amino-acid change (serine 1075 retained).
Molecular consequence: synonymous variant.
Genome position (GRCh38, 1-based): chr17:61,683,821, T>C on the plus strand (A>G on the coding strand, the complement: BRIP1 is on the minus strand). VCF-style: chr17-61683821-T-C. GRCh37 (hg19) VCF-style: chr17-59761182-T-C.
Identifiers: ClinVar variation 1561618 (VCV001561618.12), dbSNP rs1291039468, ClinGen allele CA501335282.